The following is an entry in ClinVar:

ClinVar aggregate classification (germline): Conflicting classifications of pathogenicity. Review status: criteria provided, conflicting classifications (1 of 4 stars). 6 submissions from 6 submitters: Uncertain significance (3); Likely benign (2). 1 of the submissions does not count toward it. Last evaluated 2025-10-13.

Conditions:
Hereditary cancer-predisposing syndrome. Also called: Tumor predisposition; Neoplastic Syndromes, Hereditary; Hereditary Cancer Syndrome; Hereditary neoplastic syndrome. Identifiers: Orphanet 140162, MedGen C0027672, MeSH D009386, MONDO:0015356.
Hereditary breast ovarian cancer syndrome. Also called: Hereditary breast and ovarian cancer syndrome (HBOC); Hereditary breast and ovarian cancer syndrome; Hereditary breast and ovarian cancer; Hereditary breast and/or ovarian cancer syndrome; Breast and ovarian cancer; BRCA1- and BRCA2-Associated Hereditary Breast and Ovarian Cancer. Identifiers: Orphanet 145, MedGen C0677776, MeSH D061325, MONDO:0003582. Disease mechanism: loss of function.
Breast-ovarian cancer, familial, susceptibility to, 1 (BROVCA1). Also called: OVARIAN CANCER, SUSCEPTIBILITY TO; BRCA1 Hereditary Breast and Ovarian Cancer. Identifiers: Orphanet 145, MedGen C2676676, MONDO:0011450, OMIM 604370. Disease mechanism: loss of function.

Allele frequency attached by ClinVar (database versions not stated): TOPMed below 0.00001; gnomAD 0.00001; gnomAD exomes 0.00001 and 0.00003.
gnomAD v4.1: 42 of 1,613,716 alleles (0.0026%); highest among the groups gnomAD compares: Non-Finnish European, 0.0036%; no homozygotes.

Submissions (6):

Labcorp Genetics (formerly Invitae), Labcorp
Classification: Uncertain significance for Hereditary breast ovarian cancer syndrome. Last evaluated: 2025-10-13. Review status: criteria provided, single submitter. Criteria: Invitae Variant Classification Sherloc (09022015). Collection method: clinical testing. Allele origin: germline.
Comment: This sequence change replaces lysine, which is basic and polar, with asparagine, which is neutral and polar, at codon 527 of the BRCA1 protein (p.Lys527Asn). This variant is present in population databases (rs80357493, gnomAD 0.002%). This variant has not been reported in the literature in individuals affected with BRCA1-related conditions. ClinVar contains an entry for this variant (Variation ID: 54300). Invitae Evidence Modeling of protein sequence and biophysical properties (such as structural, functional, and spatial information, amino acid conservation, physicochemical variation, residue mobility, and thermodynamic stability) indicates that this missense variant is not expected to disrupt BRCA1 protein function with a negative predictive value of 80%. In summary, the available evidence is currently insufficient to determine the role of this variant in disease. Therefore, it has been classified as a Variant of Uncertain Significance.

Color Diagnostics, LLC DBA Color Health
Classification: Likely benign for Hereditary cancer-predisposing syndrome. Last evaluated: 2024-09-17. Review status: criteria provided, single submitter. Criteria: ACMG Guidelines, 2015. Collection method: clinical testing. Allele origin: germline.

Ambry Genetics
Classification: Uncertain significance for Hereditary cancer-predisposing syndrome. Last evaluated: 2024-03-23. Review status: criteria provided, single submitter. Criteria: Ambry Variant Classification Scheme 2023. Collection method: clinical testing. Allele origin: germline.
Comment: The p.K527N variant (also known as c.1581G>C), located in coding exon 9 of the BRCA1 gene, results from a G to C substitution at nucleotide position 1581. The lysine at codon 527 is replaced by asparagine, an amino acid with similar properties. This amino acid position is well conserved in available vertebrate species. In addition, the in silico prediction for this alteration is inconclusive. Since supporting evidence is limited at this time, the clinical significance of this alteration remains unclear.

Quest Diagnostics Nichols Institute San Juan Capistrano
Classification: Uncertain significance. Last evaluated: 2023-06-07. Review status: criteria provided, single submitter. Criteria: Quest Diagnostics criteria. Collection method: clinical testing. Allele origin: unknown.
Comment: In a large-scale breast cancer association study, the variant was observed in an individual with breast cancer as well as in an unaffected individual (PMID: 33471991 (2021), see also LOVD). The frequency of this variant in the general population, 0.000008 (2/250470 chromosomes (Genome Aggregation Database)), is uninformative in the assessment of its pathogenicity. Analysis of this variant using bioinformatics tools for the prediction of the effect of amino acid changes on protein structure and function yielded conflicting predictions that this variant is benign or damaging. Based on the available information, we are unable to determine the clinical significance of this variant.

University of Washington Department of Laboratory Medicine, University of Washington
Classification: Likely benign for Hereditary cancer-predisposing syndrome. Last evaluated: 2023-03-23. Review status: criteria provided, single submitter. Criteria: Dines et al. (Genet Med. 2020). Collection method: curation. Allele origin: germline.
Comment: Missense variant in a coldspot region where missense variants are very unlikely to be pathogenic (PMID:31911673).

BRCA1 coldspot (exon 11 using historical exon numbering). Reclassification based on statistical prior probability

Breast Cancer Information Core (BIC) (BRCA1)
Classification: Uncertain significance for Breast-ovarian cancer, familial 1. Review status: no assertion criteria provided. Collection method: clinical testing. Allele origin: germline. Affected: yes. Observed: 1 variant allele. Not counted in ClinVar's aggregate classification.

Literature cited by the submitters: PubMed 16518693 (cited by Ambry Genetics and Quest Diagnostics Nichols Institute San Juan Capistrano); PubMed 16267036 (cited by Quest Diagnostics Nichols Institute San Juan Capistrano); PubMed 31911673 (cited by Quest Diagnostics Nichols Institute San Juan Capistrano); PubMed 33471991 (cited by Quest Diagnostics Nichols Institute San Juan Capistrano).

NM_007294.4(BRCA1):c.1581G>C (p.Lys527Asn)

Gene: BRCA1 (BRCA1 DNA repair associated; minus strand). Cytogenetic location: 17q21.31.
Variant type: single nucleotide variant.
Coding change: c.1581G>C on transcript NM_007294.4 (MANE Select); coding-DNA position 1581, G replaced by C.
Protein change: p.Lys527Asn; replaces lysine 527 with asparagine.
Molecular consequence: missense variant. On other transcripts: intron variant (137).
Genome position (GRCh38, 1-based): chr17:43,093,950, C>G on the plus strand (G>C on the coding strand, the complement: BRCA1 is on the minus strand). VCF-style: chr17-43093950-C-G. GRCh37 (hg19) VCF-style: chr17-41245967-C-G.
Other names: c.1368G>C, p.Lys456Asn (NM_001407571.1, NM_001407853.1, NM_001407894.1 and 9 more transcripts); c.1581G>C, p.Lys527Asn (NM_001407581.1, NM_001407582.1, NM_001407583.1 and 30 more transcripts); c.1578G>C, p.Lys526Asn (NM_001407587.1, NM_001407590.1, NM_001407591.1 and 22 more transcripts); c.1572G>C, p.Lys524Asn (NM_001407646.1, NM_001407647.1); c.1458G>C, p.Lys486Asn (NM_001407648.1, NM_001407664.1, NM_001407665.1 and 19 more transcripts); c.1455G>C, p.Lys485Asn (NM_001407649.1, NM_001407670.1, NM_001407671.1 and 11 more transcripts); c.1503G>C, p.Lys501Asn (NM_001407653.1, NM_001407654.1, NM_001407655.1 and 4 more transcripts); c.1500G>C, p.Lys500Asn (NM_001407659.1, NM_001407660.1, NM_001407661.1 and 1 more transcripts); and 40 more; short protein forms K527N, K480N, K400N, K416N, K456N, K485N, K500N, K524N.
Identifiers: ClinVar variation 54300 (VCV000054300.30), dbSNP rs80357493, ClinGen allele CA001056.